The following is an entry in ClinVar:

NM_004656.4(BAP1):c.947C>A (p.Ala316Glu)

Gene: BAP1 (BRCA1 associated deubiquitinase 1; minus strand). Cytogenetic location: 3p21.1.
Variant type: single nucleotide variant.
Coding change: c.947C>A on transcript NM_004656.4 (MANE Select); coding-DNA position 947, C replaced by A.
Protein change: p.Ala316Glu; replaces alanine 316 with glutamic acid.
Molecular consequence: missense variant.
Genome position (GRCh38, 1-based): chr3:52,405,279, G>T on the plus strand (C>A on the coding strand, the complement: BAP1 is on the minus strand). VCF-style: chr3-52405279-G-T. GRCh37 (hg19) VCF-style: chr3-52439295-G-T.
Other names: c.893C>A, p.Ala298Glu (NM_001410772.1); short protein forms A298E, A316E.
Identifiers: ClinVar variation 2565171 (VCV002565171.4), dbSNP rs1365625070, ClinGen allele CA353106304.

ClinVar aggregate classification (germline): Conflicting classifications of pathogenicity. Review status: criteria provided, conflicting classifications (1 of 4 stars). 2 submissions from 2 submitters: Uncertain significance (1); Likely benign (1). Last evaluated 2025-07-16.

Conditions:
Hereditary cancer-predisposing syndrome. Also called: Neoplastic Syndromes, Hereditary; Hereditary Cancer Syndrome; Hereditary neoplastic syndrome; Tumor predisposition. Identifiers: Orphanet 140162, MedGen C0027672, MeSH D009386, MONDO:0015356.
BAP1-related tumor predisposition syndrome (TPDS1). Also called: COMMON Syndrome; TUMOR PREDISPOSITION SYNDROME 1; BAP1 tumor predisposition syndrome; Tumor susceptibility linked to germline BAP1 mutations. Identifiers: Orphanet 289539, MedGen C3280492, MONDO:0013692, OMIM 614327.

Submissions (2):

Labcorp Genetics (formerly Invitae), Labcorp
Classification: Uncertain significance for BAP1-related tumor predisposition syndrome. Last evaluated: 2025-07-16. Review status: criteria provided, single submitter. Criteria: Invitae Variant Classification Sherloc (09022015). Collection method: clinical testing. Allele origin: germline.
Comment: This sequence change replaces alanine, which is neutral and non-polar, with glutamic acid, which is acidic and polar, at codon 316 of the BAP1 protein (p.Ala316Glu). This variant is not present in population databases (gnomAD no frequency). This variant has not been reported in the literature in individuals affected with BAP1-related conditions. ClinVar contains an entry for this variant (Variation ID: 2565171). Invitae Evidence Modeling of protein sequence and biophysical properties (such as structural, functional, and spatial information, amino acid conservation, physicochemical variation, residue mobility, and thermodynamic stability) indicates that this missense variant is not expected to disrupt BAP1 protein function with a negative predictive value of 80%. In summary, the available evidence is currently insufficient to determine the role of this variant in disease. Therefore, it has been classified as a Variant of Uncertain Significance.

Ambry Genetics
Classification: Likely benign for Hereditary cancer-predisposing syndrome. Last evaluated: 2024-08-08. Review status: criteria provided, single submitter. Criteria: Ambry Variant Classification Scheme 2023. Collection method: clinical testing. Allele origin: germline.